The following is an entry in ClinVar:

NM_019842.4(KCNQ5):c.1346G>A (p.Ser449Asn)

Gene: KCNQ5 (potassium voltage-gated channel subfamily Q member 5; plus strand). Cytogenetic location: 6q13.
Variant type: single nucleotide variant.
Coding change: c.1346G>A on transcript NM_019842.4 (MANE Select); coding-DNA position 1346, G replaced by A.
Protein change: p.Ser449Asn; replaces serine 449 with asparagine.
Molecular consequence: missense variant. On other transcripts: intron variant (1).
Genome position (GRCh38, 1-based): chr6:73,133,519, G>A. VCF-style: chr6-73133519-G-A. GRCh37 (hg19) VCF-style: chr6-73843242-G-A.
Other names: c.1319G>A, p.Ser440Asn (NM_001160130.2); c.1376G>A, p.Ser459Asn (NM_001160132.2); c.1403G>A, p.Ser468Asn (NM_001160133.2); c.1247+9007G>A (NM_001160134.2); short protein forms S440N, S449N, S459N, S468N.
Identifiers: ClinVar variation 4056526 (VCV004056526.1).

ClinVar aggregate classification (germline): Uncertain significance (1 of 4 stars; one submission).

Conditions:
Intellectual developmental disorder, autosomal dominant 46. Also called: MENTAL RETARDATION, AUTOSOMAL DOMINANT 46; Intellectual disability, autosomal dominant 46. Identifiers: MedGen C4539851, MONDO:0030911, OMIM 617601.

Submission:

Laboratorio de Genetica e Diagnostico Molecular, Hospital Israelita Albert Einstein
Classification: Uncertain significance for Intellectual developmental disorder, autosomal dominant 46. Last evaluated: 2023-12-29. Review status: criteria provided, single submitter. Criteria: ACMG Guidelines, 2015. Collection method: clinical testing. Allele origin: germline. Affected: yes.
Comment: ACMG classification criteria: PM2 moderate, PP2 supporting